The following is an entry in ClinVar:

ClinVar aggregate classification (germline): Pathogenic (1 of 4 stars; one submission).

Conditions:
Duchenne muscular dystrophy (DMD). Also called: Duchenne Muscular Dystrophy (DMD); MUSCULAR DYSTROPHY, PSEUDOHYPERTROPHIC PROGRESSIVE, DUCHENNE TYPE. Identifiers: Orphanet 98896, MedGen C0013264, MONDO:0010679, OMIM 310200.

Submission:

Labcorp Genetics (formerly Invitae), Labcorp
Classification: Pathogenic for Duchenne muscular dystrophy. Last evaluated: 2019-10-04. Review status: criteria provided, single submitter. Criteria: Invitae Variant Classification Sherloc (09022015). Collection method: clinical testing. Allele origin: germline.
Comment: This variant is an in-frame deletion of the genomic region encompassing exons 17-20 of the DMD gene. It preserves the integrity of the reading frame. This variant has not been reported in the literature in individuals with DMD-related conditions. Sub-genic in-frame deletion of exons 17-18 has been determined to be pathogenic (PMID: 25007885). Therefore, deletions that fully encompass that region are also expected to be pathogenic. For these reasons, this variant has been classified as Pathogenic.

Literature cited by the submitters: PubMed 25007885.

NC_000023.11:g.(?_32491267)_(32545344_?)del

Gene: DMD (dystrophin; minus strand). Cytogenetic location: Xp21.1.
Variant type: Deletion.
Identifiers: ClinVar variation 832132 (VCV000832132.8).